The following is an entry in ClinVar:

NC_000001.10:g.(?_17380423)_(17380514_?)del

Gene: SDHB (succinate dehydrogenase complex iron sulfur subunit B; minus strand). Cytogenetic location: 1p36.13.
Variant type: Deletion.
Identifiers: ClinVar variation 3247655 (VCV003247655.1).

ClinVar aggregate classification (germline): Pathogenic (1 of 4 stars; one submission).

Conditions:
Pheochromocytoma. Also called: MAX-Related Hereditary Paraganglioma-Pheochromocytoma Syndrome. Identifiers: Orphanet 29072, MedGen C0031511, MONDO:0008233, OMIM 171300, HP:0002666.
Gastrointestinal stromal tumor. Also called: Gastrointestinal stromal tumor, somatic; Gastrointestinal stroma tumor. Identifiers: Orphanet 44890, MedGen C0238198, MeSH D046152, MONDO:0011719, OMIM 606764, HP:0100723.
Pheochromocytoma/paraganglioma syndrome 4. Also called: CAROTID BODY TUMORS AND MULTIPLE EXTRAADRENAL PHEOCHROMOCYTOMAS; PARAGANGLIOMA, FAMILIAL MALIGNANT; PARAGANGLIOMAS, HEREDITARY EXTRAADRENAL; PHEOCHROMOCYTOMA, FAMILIAL EXTRAADRENAL; Paragangliomas 4; SDHB-Related Hereditary Paraganglioma-Pheochromocytoma Syndrome (Paragangliomas 4). Identifiers: Orphanet 29072, MedGen C1861848, MONDO:0007273, OMIM 115310.

Submission:

Labcorp Genetics (formerly Invitae), Labcorp
Classification: Pathogenic for Gastrointestinal stromal tumor; Pheochromocytoma/paraganglioma syndrome 4; Pheochromocytoma. Last evaluated: 2024-01-20. Review status: criteria provided, single submitter. Criteria: Invitae Variant Classification Sherloc (09022015). Collection method: clinical testing. Allele origin: unknown.
Comment: This variant is a gross deletion of the genomic region encompassing exon(s) 1 of the SDHB gene, which includes the initiator codon. This deletion extends beyond the assayed region for this gene and therefore may encompass additional genes. It is expected to result in an absent or disrupted protein product. Loss-of-function variants in SDHB are known to be pathogenic (PMID: 19454582, 19802898). A similar copy number variant has been observed in individual(s) with paraganglioma and pheochromocytoma (PMID: 15531530, 16258955, 18057081, 19351833, 19389109, 19802898, 25683602). For these reasons, this variant has been classified as Pathogenic.

Literature cited by the submitters: PubMed 19454582; PubMed 19802898; PubMed 15531530; PubMed 16258955; PubMed 18057081; PubMed 19351833; PubMed 19389109; PubMed 25683602.